The following is an entry in ClinVar:

NM_032383.5(HPS3):c.2099A>G (p.His700Arg)

Gene: HPS3 (HPS3 biogenesis of lysosomal organelles complex 2 subunit 1; plus strand). Cytogenetic location: 3q24.
Variant type: single nucleotide variant.
Coding change: c.2099A>G on transcript NM_032383.5 (MANE Select); coding-DNA position 2099, A replaced by G.
Protein change: p.His700Arg; replaces histidine 700 with arginine.
Molecular consequence: missense variant.
Genome position (GRCh38, 1-based): chr3:149,160,272, A>G. VCF-style: chr3-149160272-A-G. GRCh37 (hg19) VCF-style: chr3-148878059-A-G.
Other names: c.1604A>G, p.His535Arg (NM_001308258.2); short protein forms H535R, H700R.
Identifiers: ClinVar variation 3606182 (VCV003606182.2).

ClinVar aggregate classification (germline): Uncertain significance (1 of 4 stars; one submission).

Submission:

Labcorp Genetics (formerly Invitae), Labcorp
Classification: Uncertain significance. Last evaluated: 2025-10-13. Review status: criteria provided, single submitter. Criteria: Invitae Variant Classification Sherloc (09022015). Collection method: clinical testing. Allele origin: germline.
Comment: This sequence change replaces histidine, which is basic and polar, with arginine, which is basic and polar, at codon 700 of the HPS3 protein (p.His700Arg). This variant is not present in population databases (gnomAD no frequency). This variant has not been reported in the literature in individuals affected with HPS3-related conditions. ClinVar contains an entry for this variant (Variation ID: 3606182). Invitae Evidence Modeling of protein sequence and biophysical properties (such as structural, functional, and spatial information, amino acid conservation, physicochemical variation, residue mobility, and thermodynamic stability) indicates that this missense variant is expected to disrupt HPS3 protein function with a positive predictive value of 80%. In summary, the available evidence is currently insufficient to determine the role of this variant in disease. Therefore, it has been classified as a Variant of Uncertain Significance.